The following is an entry in ClinVar:

ClinVar aggregate classification (germline): Uncertain significance (1 of 4 stars; one submission).

Conditions:
Beckwith-Wiedemann syndrome (BWS). Also called: Exomphalos macroglossia gigantism syndrome; EMG SYNDROME. Identifiers: Orphanet 116, MedGen C0004903, MONDO:0007534, OMIM 130650.

Submission:

Labcorp Genetics (formerly Invitae), Labcorp
Classification: Uncertain significance for Beckwith-Wiedemann syndrome. Last evaluated: 2023-02-22. Review status: criteria provided, single submitter. Criteria: Invitae Variant Classification Sherloc (09022015). Collection method: clinical testing. Allele origin: germline.
Comment: Advanced modeling of protein sequence and biophysical properties (such as structural, functional, and spatial information, amino acid conservation, physicochemical variation, residue mobility, and thermodynamic stability) performed at Invitae indicates that this missense variant is not expected to disrupt CDKN1C protein function. This variant has not been reported in the literature in individuals affected with CDKN1C-related conditions. This variant is not present in population databases (gnomAD no frequency). This sequence change replaces alanine, which is neutral and non-polar, with glycine, which is neutral and non-polar, at codon 159 of the CDKN1C protein (p.Ala159Gly). In summary, the available evidence is currently insufficient to determine the role of this variant in disease. Therefore, it has been classified as a Variant of Uncertain Significance.

NM_001122630.2(CDKN1C):c.443C>G (p.Ala148Gly)

Gene: CDKN1C (cyclin dependent kinase inhibitor 1C; minus strand). Cytogenetic location: 11p15.4.
Variant type: single nucleotide variant.
Coding change: c.443C>G on transcript NM_001122630.2 (MANE Select); coding-DNA position 443, C replaced by G.
Protein change: p.Ala148Gly; replaces alanine 148 with glycine.
Molecular consequence: missense variant. On other transcripts: intron variant (1).
Genome position (GRCh38, 1-based): chr11:2,885,014, G>C on the plus strand (C>G on the coding strand, the complement: CDKN1C is on the minus strand). VCF-style: chr11-2885014-G-C. GRCh37 (hg19) VCF-style: chr11-2906244-G-C.
Other names: c.476C>G, p.Ala159Gly (NM_000076.2, NM_001362474.2); c.443C>G, p.Ala148Gly (NM_001122631.2); c.255+188C>G (NM_001362475.2); short protein forms A159G, A148G.
Identifiers: ClinVar variation 2839094 (VCV002839094.3), dbSNP rs372633, ClinGen allele CA379146624.